The following is an entry in ClinVar:

ClinVar aggregate classification (germline): Uncertain significance (1 of 4 stars; one submission).

Conditions:
Charcot-Marie-Tooth disease dominant intermediate B (CMTDIB). Also called: Charcot-Marie-Tooth disease dominant intermediate 1; CMT DI1; Charcot-Marie-Tooth disease dominant intermediate I; CHARCOT-MARIE-TOOTH NEUROPATHY, DOMINANT INTERMEDIATE B. Identifiers: Orphanet 100044, Orphanet 228179, MedGen C1847902, MONDO:0011674, OMIM 606482.

Submission:

Labcorp Genetics (formerly Invitae), Labcorp
Classification: Uncertain significance for Charcot-Marie-Tooth disease dominant intermediate B. Last evaluated: 2019-04-25. Review status: criteria provided, single submitter. Criteria: Invitae Variant Classification Sherloc (09022015). Collection method: clinical testing. Allele origin: germline.
Comment: This sequence change replaces arginine with glycine at codon 364 of the DNM2 protein (p.Arg364Gly). The arginine residue is highly conserved and there is a moderate physicochemical difference between arginine and glycine. This variant is not present in population databases (ExAC no frequency). This variant has not been reported in the literature in individuals with DNM2-related conditions. Algorithms developed to predict the effect of missense changes on protein structure and function (SIFT, PolyPhen-2, Align-GVGD) all suggest that this variant is likely to be disruptive, but these predictions have not been confirmed by published functional studies and their clinical significance is uncertain. In summary, the available evidence is currently insufficient to determine the role of this variant in disease. Therefore, it has been classified as a Variant of Uncertain Significance.

NM_001005361.3(DNM2):c.1090C>G (p.Arg364Gly)

Gene: DNM2 (dynamin 2; plus strand). Cytogenetic location: 19p13.2.
Variant type: single nucleotide variant.
Coding change: c.1090C>G on transcript NM_001005361.3 (MANE Select); coding-DNA position 1090, C replaced by G.
Protein change: p.Arg364Gly; replaces arginine 364 with glycine.
Molecular consequence: missense variant.
Genome position (GRCh38, 1-based): chr19:10,793,817, C>G. VCF-style: chr19-10793817-C-G. GRCh37 (hg19) VCF-style: chr19-10904493-C-G.
Other names: c.1090C>G, p.Arg364Gly (NM_001005360.3, NM_001005362.3, NM_001190716.2 and 1 more transcripts); short protein forms R364G.
Identifiers: ClinVar variation 949537 (VCV000949537.9), dbSNP rs1568304333, ClinGen allele CA404048014.
Genomic context (GRCh38, chr19:10,793,817, plus strand): 5'-ATCGAGGGCTCAGGAGATCAGGTGGACACTCTGGAGCTCTCCGGGGGCGCCCGAATCAAT[C>G]GCATCTTCCACGAGCGGTTCCCATTTGAGCTGGTGAAGGTAGTGCCCCCCGGGGCTGGGC-3'
Protein context (NP_001005361.1, residues 354-374): LELSGGARIN[Arg364Gly]IFHERFPFEL